The following is an entry in ClinVar:

ClinVar aggregate classification (germline): Uncertain significance. Review status: criteria provided, multiple submitters, no conflicts (2 of 4 stars). 4 submissions from 4 submitters: Uncertain significance (4). Last evaluated 2025-03-12.

Conditions:
Hereditary cancer-predisposing syndrome. Also called: Tumor predisposition; Neoplastic Syndromes, Hereditary; Hereditary Cancer Syndrome; Hereditary neoplastic syndrome. Identifiers: Orphanet 140162, MedGen C0027672, MeSH D009386, MONDO:0015356.
Haddad syndrome (OHD). Also called: Ondine-Hirschsprung disease. Identifiers: Orphanet 99803, MedGen C1859049, MONDO:0020493.
Neuroblastoma, susceptibility to, 2. Identifiers: Orphanet 635, MedGen C2751682, MONDO:0700041, OMIM 613013.

Allele frequency attached by ClinVar (database versions not stated): gnomAD exomes below 0.00001; gnomAD 0.00001; TOPMed 0.00002.

Submissions (4):

Ambry Genetics
Classification: Uncertain significance for Hereditary cancer-predisposing syndrome. Last evaluated: 2025-03-12. Review status: criteria provided, single submitter. Criteria: Ambry Variant Classification Scheme 2023. Collection method: clinical testing. Allele origin: germline.
Comment: The p.S312G variant (also known as c.934A>G), located in coding exon 3 of the PHOX2B gene, results from an A to G substitution at nucleotide position 934. The serine at codon 312 is replaced by glycine, an amino acid with similar properties. This amino acid position is well conserved in available vertebrate species. In addition, this alteration is predicted to be tolerated by in silico analysis. Based on the available evidence, the clinical significance of this variant remains unclear.

Baylor Genetics
Classification: Uncertain significance for Neuroblastoma, susceptibility to, 2. Last evaluated: 2023-10-04. Review status: criteria provided, single submitter. Criteria: ACMG Guidelines, 2015. Collection method: clinical testing. Allele origin: unknown.

Labcorp Genetics (formerly Invitae), Labcorp
Classification: Uncertain significance for Haddad syndrome. Last evaluated: 2023-06-15. Review status: criteria provided, single submitter. Criteria: Invitae Variant Classification Sherloc (09022015). Collection method: clinical testing. Allele origin: germline.
Comment: ClinVar contains an entry for this variant (Variation ID: 1384636). This sequence change replaces serine, which is neutral and polar, with glycine, which is neutral and non-polar, at codon 312 of the PHOX2B protein (p.Ser312Gly). This variant is not present in population databases (gnomAD no frequency). This variant has not been reported in the literature in individuals affected with PHOX2B-related conditions. Experimental studies and prediction algorithms are not available or were not evaluated, and the functional significance of this variant is currently unknown. In summary, the available evidence is currently insufficient to determine the role of this variant in disease. Therefore, it has been classified as a Variant of Uncertain Significance.

GeneDx
Classification: Uncertain significance. Last evaluated: 2022-08-19. Review status: criteria provided, single submitter. Criteria: GeneDx Variant Classification Process June 2021. Collection method: clinical testing. Allele origin: germline. Affected: yes.
Comment: Not observed at significant frequency in large population cohorts (gnomAD); In silico analysis supports that this missense variant does not alter protein structure/function; Has not been previously published as pathogenic or benign to our knowledge

NM_003924.4(PHOX2B):c.934A>G (p.Ser312Gly)

Gene: PHOX2B (paired like homeobox 2B; minus strand). Cytogenetic location: 4p13.
Variant type: single nucleotide variant.
Coding change: c.934A>G on transcript NM_003924.4 (MANE Select); coding-DNA position 934, A replaced by G.
Protein change: p.Ser312Gly; replaces serine 312 with glycine.
Molecular consequence: missense variant.
Genome position (GRCh38, 1-based): chr4:41,745,818, T>C on the plus strand (A>G on the coding strand, the complement: PHOX2B is on the minus strand). VCF-style: chr4-41745818-T-C. GRCh37 (hg19) VCF-style: chr4-41747835-T-C.
Other names: short protein forms S312G.
Identifiers: ClinVar variation 1384636 (VCV001384636.12), dbSNP rs1733865595, ClinGen allele CA356736654.